The following is an entry in ClinVar:

NM_016507.4(CDK12):c.3700A>G (p.Lys1234Glu)

Gene: CDK12 (cyclin dependent kinase 12; plus strand). Cytogenetic location: 17q12.
Variant type: single nucleotide variant.
Coding change: c.3700A>G on transcript NM_016507.4 (MANE Select); coding-DNA position 3700, A replaced by G.
Protein change: p.Lys1234Glu; replaces lysine 1234 with glutamic acid.
Molecular consequence: missense variant.
Genome position (GRCh38, 1-based): chr17:39,526,256, A>G. VCF-style: chr17-39526256-A-G. GRCh37 (hg19) VCF-style: chr17-37682509-A-G.
Other names: c.3700A>G, p.Lys1234Glu (NM_015083.4); short protein forms K1234E.
Identifiers: ClinVar variation 3489339 (VCV003489339.1).

ClinVar aggregate classification (germline): Uncertain significance (1 of 4 stars; one submission).

Submission:

Ambry Genetics
Classification: Uncertain significance. Last evaluated: 2024-12-02. Review status: criteria provided, single submitter. Criteria: Ambry Variant Classification Scheme 2023. Collection method: clinical testing. Allele origin: germline.
Comment: The p.K1234E variant (also known as c.3700A>G), located in coding exon 13 of the CDK12 gene, results from an A to G substitution at nucleotide position 3700. The lysine at codon 1234 is replaced by glutamic acid, an amino acid with similar properties. This amino acid position is conserved. In addition, this alteration is predicted to be tolerated by in silico analysis. Based on the available evidence, the clinical significance of this variant remains unclear.